The following is an entry in ClinVar:

NC_000015.10:g.(?_48596273)_(48644779_?)del

Genes: FBN1 (fibrillin 1; minus strand), LOC130057019 (ATAC-STARR-seq lymphoblastoid silent region 6417; plus strand). Cytogenetic location: 15q21.1.
Variant type: Deletion.
Identifiers: ClinVar variation 639879 (VCV000639879.1).

ClinVar aggregate classification (germline): Pathogenic (1 of 4 stars; one submission).

Conditions:
Familial thoracic aortic aneurysm and aortic dissection (TAAD). Also called: Thoracic aortic aneurysms and dissections. Identifiers: Orphanet 91387, MedGen C4707243, MONDO:0019625.
Marfan syndrome (MFS). Also called: FBN1-Related Marfan Syndrome; Marfan syndrome type 1; Marfan's syndrome; Marfan syndrome, classic; MARFAN SYNDROME, TYPE I. Identifiers: Orphanet 284963, Orphanet 558, MedGen C0024796, MONDO:0007947, OMIM 154700.

Submission:

Labcorp Genetics (formerly Invitae), Labcorp
Classification: Pathogenic for Marfan syndrome; Familial thoracic aortic aneurysm and aortic dissection. Last evaluated: 2018-11-27. Review status: criteria provided, single submitter. Criteria: Invitae Variant Classification Sherloc (09022015). Collection method: clinical testing. Allele origin: germline.
Comment: This variant is a gross deletion of the genomic region encompassing exons 2-6 of the FBN1 gene, which includes the initiator codon. The 5' end of this event is unknown as it extends beyond the assayed region for this gene and therefore may encompass additional genes. The 3' boundary is likely confined to intron 6 of the FBN1 gene. This is expected to result in an absent or disrupted protein product. This variant has not been reported in the literature in individuals with FBN1-related disease. Loss-of-function variants in FBN1 are known to be pathogenic (PMID: 17657824, 19293843). For these reasons, this variant has been classified as Pathogenic.